The following is an entry in ClinVar:

NM_001114753.3(ENG):c.457A>T (p.Arg153Trp)

Gene: ENG (endoglin; minus strand). Cytogenetic location: 9q34.11.
Variant type: single nucleotide variant.
Coding change: c.457A>T on transcript NM_001114753.3 (MANE Select); coding-DNA position 457, A replaced by T.
Protein change: p.Arg153Trp; replaces arginine 153 with tryptophan.
Molecular consequence: missense variant. On other transcripts: 5 prime UTR variant (1).
Genome position (GRCh38, 1-based): chr9:127,826,576, T>A on the plus strand (A>T on the coding strand, the complement: ENG is on the minus strand). VCF-style: chr9-127826576-T-A. GRCh37 (hg19) VCF-style: chr9-130588855-T-A.
Other names: c.457A>T, p.Arg153Trp (NM_000118.4, NM_001406715.1); c.-90A>T (NM_001278138.2); c.457A>T (NM_001114753.1); short protein forms R153W.
Identifiers: ClinVar variation 1376097 (VCV001376097.8), dbSNP rs1323149703, ClinGen allele CA374984230.
Genomic context (GRCh38, chr9:127,826,576, plus strand): 5'-CCAGTCGGAGGAGGATGCTCTGGGGGTCATTCAGCTCAGCAGCAGAGGTGATGGGGCCCC[T>A]CTCAGCTGCCCACTCAAGGATCTGGGTCTTGGGGAAGGATGGCAGCTCTGTGGTGTTGAC-3'
Protein context (NP_001108225.1, residues 143-163): KTQILEWAAE[Arg153Trp]GPITSAAELN

ClinVar aggregate classification (germline): Conflicting classifications of pathogenicity. Review status: criteria provided, conflicting classifications (1 of 4 stars). 2 submissions from 2 submitters: Uncertain significance (1); Likely benign (1). Last evaluated 2026-03-12.

Conditions:
Hereditary hemorrhagic telangiectasia (HHT). Also called: ORW DISEASE; Osler Weber Rendu syndrome; OSLER-RENDU-WEBER DISEASE; Osler hemorrhagic telangiectasia syndrome. Identifiers: Orphanet 774, MedGen C0039445, MONDO:0019180. Disease mechanism: loss of function.
Cardiovascular phenotype. Identifiers: MedGen CN230736.

Allele frequency attached by ClinVar (database versions not stated): gnomAD exomes below 0.00001.
gnomAD v4.1: 4 of 1,614,056 alleles (0.00025%); highest among the groups gnomAD compares: Non-Finnish European, 0.00034%; no homozygotes.

Submissions (2):

Ambry Genetics
Classification: Uncertain significance for Cardiovascular phenotype. Last evaluated: 2026-03-12. Review status: criteria provided, single submitter. Criteria: Ambry Variant Classification Scheme 2023. Collection method: clinical testing. Allele origin: germline.
Comment: The p.R153W variant (also known as c.457A>T), located in coding exon 4 of the ENG gene, results from an A to T substitution at nucleotide position 457. The arginine at codon 153 is replaced by tryptophan, an amino acid with dissimilar properties. This amino acid position is conserved. In addition, this alteration is predicted to be tolerated by in silico analysis. Based on the available evidence, the clinical significance of this variant remains unclear.

Labcorp Genetics (formerly Invitae), Labcorp
Classification: Likely benign for Hereditary hemorrhagic telangiectasia. Last evaluated: 2023-10-13. Review status: criteria provided, single submitter. Criteria: Invitae Variant Classification Sherloc (09022015). Collection method: clinical testing. Allele origin: germline.